The following is an entry in ClinVar:

ClinVar aggregate classification (germline): Conflicting classifications of pathogenicity. Review status: criteria provided, conflicting classifications (1 of 4 stars). 8 submissions from 8 submitters: Pathogenic (1); Likely pathogenic (2); Uncertain significance (2); Likely benign (1). 2 of the submissions do not count toward it. Last evaluated 2026-01-07.

Conditions:
Retinitis pigmentosa 90. Identifiers: MedGen C5436588, MONDO:0033563, OMIM 619007.
IDH3A-related disorder. Also called: IDH3A-related condition.
Retinitis pigmentosa (RP). Identifiers: Orphanet 791, MedGen C0035334, MeSH D012174, MONDO:0019200, OMIM 268000. Inheritance: Autosomal dominant, autosomal recessive and X linked inheritance.

Allele frequency attached by ClinVar (database versions not stated): gnomAD exomes 0.00013 and 0.00027; ExAC 0.00018; gnomAD 0.00018; TOPMed 0.00023; ESP Exome Variant Server 0.00031.

Submissions (8):

Labcorp Genetics (formerly Invitae), Labcorp
Classification: Likely benign. Last evaluated: 2026-01-07. Review status: criteria provided, single submitter. Criteria: Invitae Variant Classification Sherloc (09022015). Collection method: clinical testing. Allele origin: germline.

Blueprint Genetics
Classification: Pathogenic for IDH3A-related disorders. Last evaluated: 2024-11-04. Review status: criteria provided, single submitter. Criteria: ACMG Guidelines, 2015. Collection method: clinical testing. Allele origin: germline. Affected: yes. Observed: 5 variant alleles.

Revvity Omics, Revvity
Classification: Likely pathogenic for Retinitis pigmentosa 90. Last evaluated: 2024-01-12. Review status: criteria provided, single submitter. Criteria: ACMG Guidelines, 2015. Collection method: clinical testing. Allele origin: germline.

Department of Pathology and Laboratory Medicine, Sinai Health System
Classification: Uncertain significance for Retinitis pigmentosa 90. Last evaluated: 2023-03-12. Review status: criteria provided, single submitter. Criteria: ACMG Guidelines, 2015. Collection method: research. Allele origin: germline.

Broad Center for Mendelian Genomics, Broad Institute of MIT and Harvard
Classification: Likely pathogenic for Retinitis pigmentosa. Last evaluated: 2021-04-01. Review status: criteria provided, single submitter. Criteria: ACMG Guidelines, 2015. Collection method: curation. Allele origin: germline. Inheritance: Autosomal recessive inheritance. Affected: yes.

GeneDx
Classification: Uncertain significance. Last evaluated: 2021-03-02. Review status: criteria provided, single submitter. Criteria: GeneDx Variant Classification Process June 2021. Collection method: clinical testing. Allele origin: germline. Affected: yes.
Comment: In silico analysis supports that this missense variant has a deleterious effect on protein structure/function; This variant is associated with the following publications: (PMID: 30478029, 31456290, 28412069)

OMIM
Classification: Pathogenic for RETINITIS PIGMENTOSA 90. Last evaluated: 2020-09-02. Review status: no assertion criteria provided. Collection method: literature only. Allele origin: germline. Not counted in ClinVar's aggregate classification.

Sharon lab, Hadassah-Hebrew University Medical Center
Classification: Pathogenic for Retinitis pigmentosa. Last evaluated: 2019-06-23. Review status: no assertion criteria provided. Collection method: research. Allele origin: inherited. Affected: yes. Not counted in ClinVar's aggregate classification.

Literature cited by the submitters: PubMed 34906470 (cited by Broad Center for Mendelian Genomics, Broad Institute of MIT and Harvard); PubMed 28412069 (cited by Broad Center for Mendelian Genomics, Broad Institute of MIT and Harvard and OMIM); PubMed 31456290 (cited by Broad Center for Mendelian Genomics, Broad Institute of MIT and Harvard).

NM_005530.3(IDH3A):c.938T>C (p.Met313Thr)

Gene: IDH3A (isocitrate dehydrogenase (NAD(+)) 3 catalytic subunit alpha; plus strand). Cytogenetic location: 15q25.1.
Variant type: single nucleotide variant.
Coding change: c.938T>C on transcript NM_005530.3 (MANE Select); coding-DNA position 938, T replaced by C.
Protein change: p.Met313Thr; replaces methionine 313 with threonine.
Molecular consequence: missense variant.
Genome position (GRCh38, 1-based): chr15:78,166,223, T>C. VCF-style: chr15-78166223-T-C. GRCh37 (hg19) VCF-style: chr15-78458565-T-C.
Other names: IDH3A, MET313THR (rs149862950); short protein forms M313T.
Identifiers: ClinVar variation 812332 (VCV000812332.18), dbSNP rs149862950, ClinGen allele CA7680723.